The following is an entry in ClinVar:

ClinVar aggregate classification (germline): Uncertain significance (1 of 4 stars; one submission).

Conditions:
Charcot-Marie-Tooth disease type 4. Also called: Charcot-Marie-Tooth, Type 4; Charcot-Marie-Tooth disease, type IV. Identifiers: Orphanet 64749, MedGen C4082197, MONDO:0018995.

Allele frequency attached by ClinVar (database versions not stated): gnomAD exomes below 0.00001; gnomAD 0.00002; TOPMed 0.00005.

Submission:

Labcorp Genetics (formerly Invitae), Labcorp
Classification: Uncertain significance for Charcot-Marie-Tooth disease type 4. Last evaluated: 2021-08-02. Review status: criteria provided, single submitter. Criteria: Invitae Variant Classification Sherloc (09022015). Collection method: clinical testing. Allele origin: germline.
Comment: In summary, the available evidence is currently insufficient to determine the role of this variant in disease. Therefore, it has been classified as a Variant of Uncertain Significance. Algorithms developed to predict the effect of missense changes on protein structure and function output the following: SIFT: "Tolerated"; PolyPhen-2: "Benign"; Align-GVGD: "Class C0". The alanine amino acid residue is found in multiple mammalian species, which suggests that this missense change does not adversely affect protein function. This sequence change replaces valine with alanine at codon 223 of the PRX protein (p.Val223Ala). The valine residue is moderately conserved and there is a small physicochemical difference between valine and alanine. The frequency data for this variant in the population databases is considered unreliable, as metrics indicate insufficient coverage at this position in the ExAC database. This variant has not been reported in the literature in individuals affected with PRX-related conditions.

NM_181882.3(PRX):c.668T>C (p.Val223Ala)

Gene: PRX (periaxin; minus strand). Cytogenetic location: 19q13.2.
Variant type: single nucleotide variant.
Coding change: c.668T>C on transcript NM_181882.3 (MANE Select); coding-DNA position 668, T replaced by C.
Protein change: p.Val223Ala; replaces valine 223 with alanine.
Molecular consequence: missense variant. On other transcripts: 3 prime UTR variant (1).
Genome position (GRCh38, 1-based): chr19:40,397,684, A>G on the plus strand (T>C on the coding strand, the complement: PRX is on the minus strand). VCF-style: chr19-40397684-A-G. GRCh37 (hg19) VCF-style: chr19-40903591-A-G.
Other names: c.*873T>C (NM_020956.2); short protein forms V223A.
Identifiers: ClinVar variation 1417488 (VCV001417488.8), dbSNP rs1054277008, ClinGen allele CA308421623.